The following is an entry in ClinVar:

ClinVar aggregate classification (germline): Benign/Likely benign. Review status: criteria provided, multiple submitters, no conflicts (2 of 4 stars). 2 submissions from 2 submitters: Benign (1); Likely benign (1). Last evaluated 2024-09-17.

Allele frequency attached by ClinVar (database versions not stated): gnomAD 0.00817 and 0.00746; TOPMed 0.00853; ESP Exome Variant Server 0.00923; gnomAD exomes 0.00077 and 0.00191; 1000 Genomes Project 30x 0.00937; ExAC 0.00260; 1000 Genomes Project 0.00719.
gnomAD v4.1: 2,292 of 1,610,736 alleles (0.14%); highest among the groups gnomAD compares: African/African-American, 2.6%; 31 homozygotes.

Submissions (2):

Mayo Clinic Laboratories, Mayo Clinic
Classification: Benign. Last evaluated: 2024-09-17. Review status: criteria provided, single submitter. Criteria: ACMG Guidelines, 2015. Collection method: clinical testing. Allele origin: germline. Observed: 1 variant allele.
Comment: BS1, BS2, BP7

GeneDx
Classification: Likely benign. Last evaluated: 2020-11-08. Review status: criteria provided, single submitter. Criteria: GeneDx Variant Classification Process June 2021. Collection method: clinical testing. Allele origin: germline. Affected: yes.

NM_004070.4(CLCNKA):c.1054-8C>T

Genes: CLCNKA (chloride voltage-gated channel Ka; plus strand), LOC106501712 (CLCNKA recombination region; plus strand). Cytogenetic location: 1p36.13.
Variant type: single nucleotide variant.
Coding change: c.1054-8C>T on transcript NM_004070.4 (MANE Select); 8 bases into the intron before coding-DNA position 1054, C replaced by T.
Molecular consequence: intron variant.
Genome position (GRCh38, 1-based): chr1:16,029,118, C>T. VCF-style: chr1-16029118-C-T. GRCh37 (hg19) VCF-style: chr1-16355613-C-T.
Other names: p.?; c.1054-8C>T (NM_001042704.2); c.925-8C>T (NM_001257139.2).
Identifiers: ClinVar variation 1317547 (VCV001317547.3), dbSNP rs181589868, ClinGen allele CA622600.
Genomic context (GRCh38, chr1:16,029,118, plus strand): 5'-GCGGGGGAGGCTGGGGTCTGCCGCTGGGGGGGGCCCCTCATGTCCAGTTCCCACCTGCCC[C>T]GCCACAGCTGTCCATGAAGCAGCATCTGGACTCGCTGTTCGACAACCACTCCTGGGCGCT-3'